The following is an entry in ClinVar:

ClinVar aggregate classification (germline): Likely benign. Review status: criteria provided, multiple submitters, no conflicts (2 of 4 stars). 2 submissions from 2 submitters: Likely benign (2). Last evaluated 2026-06-21.

Conditions:
P3H2-related disorder. Also called: P3H2-related condition.

Allele frequency attached by ClinVar (database versions not stated): ExAC 0.00001; gnomAD exomes 0.00001; gnomAD 0.00003; TOPMed 0.00004; ESP Exome Variant Server 0.00008.
gnomAD v4.1: 7 of 1,613,958 alleles (0.00043%); highest among the groups gnomAD compares: African/African-American, 0.0053%; no homozygotes.

Submissions (2):

PreventionGenetics, part of Exact Sciences
Classification: Likely benign for P3H2-related condition. Last evaluated: 2026-06-21. Review status: criteria provided, single submitter. Criteria: ACMG Guidelines, 2015. Collection method: clinical testing. Allele origin: germline.
Comment: This variant is classified as likely benign based on ACMG/AMP sequence variant interpretation guidelines (Richards et al. 2015 PMID: 25741868, with internal and published modifications).

Labcorp Genetics (formerly Invitae), Labcorp
Classification: Likely benign. Last evaluated: 2022-09-27. Review status: criteria provided, single submitter. Criteria: Invitae Variant Classification Sherloc (09022015). Collection method: clinical testing. Allele origin: germline.

NM_018192.4(P3H2):c.1035T>C (p.Asn345=)

Gene: P3H2 (prolyl 3-hydroxylase 2; minus strand). Cytogenetic location: 3q28.
Variant type: single nucleotide variant.
Coding change: c.1035T>C on transcript NM_018192.4 (MANE Select); coding-DNA position 1035, T replaced by C.
Protein change: p.Asn345=; no amino-acid change (asparagine 345 retained).
Molecular consequence: synonymous variant.
Genome position (GRCh38, 1-based): chr3:189,987,590, A>G on the plus strand (T>C on the coding strand, the complement: P3H2 is on the minus strand). VCF-style: chr3-189987590-A-G. GRCh37 (hg19) VCF-style: chr3-189705379-A-G.
Other names: c.1035T>C (NM_018192.3); c.492T>C, p.Asn164= (NM_001134418.2).
Identifiers: ClinVar variation 1912402 (VCV001912402.6), dbSNP rs370482345, ClinGen allele CA2753131.